The following is an entry in ClinVar:

NM_003898.4(SYNJ2):c.1259T>C (p.Val420Ala)

Gene: SYNJ2 (synaptojanin 2; plus strand). Cytogenetic location: 6q25.3.
Variant type: single nucleotide variant.
Coding change: c.1259T>C on transcript NM_003898.4 (MANE Select); coding-DNA position 1259, T replaced by C.
Protein change: p.Val420Ala; replaces valine 420 with alanine.
Molecular consequence: missense variant.
Genome position (GRCh38, 1-based): chr6:158,064,650, T>C. VCF-style: chr6-158064650-T-C. GRCh37 (hg19) VCF-style: chr6-158485682-T-C.
Other names: c.548T>C, p.Val183Ala (NM_001178088.2); c.1259T>C, p.Val420Ala (NM_001410947.1); short protein forms V420A, V183A.
Identifiers: ClinVar variation 2482842 (VCV002482842.25), dbSNP rs1402616202, ClinGen allele CA366236401.

ClinVar aggregate classification (germline): Likely benign. Review status: criteria provided, multiple submitters, no conflicts (2 of 4 stars). 2 submissions from 2 submitters: Likely benign (2). Last evaluated 2023-11-01.

Allele frequency attached by ClinVar (database versions not stated): gnomAD 0.00001; gnomAD exomes 0.00001; TOPMed 0.00002.
gnomAD v4.1: 15 of 1,614,036 alleles (0.00093%); highest among the groups gnomAD compares: Middle Eastern, 0.033%; no homozygotes.

Submissions (2):

CeGaT Center for Human Genetics Tuebingen
Classification: Likely benign. Last evaluated: 2023-11-01. Review status: criteria provided, single submitter. Criteria: CeGaT Center For Human Genetics Tuebingen Variant Classification Criteria Version 2. Collection method: clinical testing. Allele origin: germline. Affected: yes. Observed: 1 variant allele.
Comment: SYNJ2: BP4

Ambry Genetics
Classification: Likely benign. Last evaluated: 2023-02-10. Review status: criteria provided, single submitter. Criteria: Ambry Variant Classification Scheme 2023. Collection method: clinical testing. Allele origin: germline.